The following is an entry in ClinVar:

NM_017415.3(KLHL3):c.1718C>T (p.Thr573Met)

Gene: KLHL3 (kelch like family member 3; minus strand). Cytogenetic location: 5q31.2.
Variant type: single nucleotide variant.
Coding change: c.1718C>T on transcript NM_017415.3 (MANE Select); coding-DNA position 1718, C replaced by T.
Protein change: p.Thr573Met; replaces threonine 573 with methionine.
Molecular consequence: missense variant.
Genome position (GRCh38, 1-based): chr5:137,625,770, G>A on the plus strand (C>T on the coding strand, the complement: KLHL3 is on the minus strand). VCF-style: chr5-137625770-G-A. GRCh37 (hg19) VCF-style: chr5-136961459-G-A.
Other names: c.1622C>T, p.Thr541Met (NM_001257194.1); c.1472C>T, p.Thr491Met (NM_001257195.2); short protein forms T541M, T491M, T573M.
Identifiers: ClinVar variation 3727544 (VCV003727544.2).
Genomic context (GRCh38, chr5:137,625,770, plus strand): 5'-GTTGGAGGCCTCTCGGATGGGCATGGAGATGGCACACACTGACCTGCATAGCTCCGCCCC[G>A]TGCTCATGTTCGTTGGAAGCAGCGTCCATTTGTCAGTGACAGGATTGTAGTACTCCACCG-3'
Protein context (NP_059111.2, residues 563-583): KWTLLPTNMS[Thr573Met]GRSYAGVAVI

ClinVar aggregate classification (germline): Uncertain significance (1 of 4 stars; one submission).

gnomAD v4.1: 30 of 1,613,998 alleles (0.0019%); highest among the groups gnomAD compares: Middle Eastern, 0.016%; no homozygotes.

Submission:

Labcorp Genetics (formerly Invitae), Labcorp
Classification: Uncertain significance. Last evaluated: 2024-12-31. Review status: criteria provided, single submitter. Criteria: Invitae Variant Classification Sherloc (09022015). Collection method: clinical testing. Allele origin: germline.
Comment: This sequence change replaces threonine, which is neutral and polar, with methionine, which is neutral and non-polar, at codon 573 of the KLHL3 protein (p.Thr573Met). This variant is present in population databases (rs781171421, gnomAD 0.02%). This variant has not been reported in the literature in individuals affected with KLHL3-related conditions. Invitae Evidence Modeling of protein sequence and biophysical properties (such as structural, functional, and spatial information, amino acid conservation, physicochemical variation, residue mobility, and thermodynamic stability) indicates that this missense variant is not expected to disrupt KLHL3 protein function with a negative predictive value of 80%. In summary, the available evidence is currently insufficient to determine the role of this variant in disease. Therefore, it has been classified as a Variant of Uncertain Significance.